The following is an entry in ClinVar:

ClinVar aggregate classification (germline): Pathogenic. Review status: criteria provided, multiple submitters, no conflicts (2 of 4 stars). 9 submissions from 9 submitters: Pathogenic (6). 3 of the submissions do not count toward it. Last evaluated 2026-07-18.

Conditions:
UNC13D-related disorder. Also called: UNC13D-related condition.
Autoinflammatory syndrome. Identifiers: Orphanet 93665, MedGen C3890737, MONDO:0019751.
Familial hemophagocytic lymphohistiocytosis 3 (FHL3). Also called: UNC13D-Related Familial Hemophagocytic Lymphohistiocytosis (UNC13D-fHLH). Identifiers: Orphanet 540, MedGen C1837174, MONDO:0012146, OMIM 608898.

Allele frequency attached by ClinVar (database versions not stated): gnomAD 0.00001; gnomAD exomes 0.00001 and 0.00002; TOPMed 0.00001; ExAC 0.00004.
gnomAD v4.1: 21 of 1,560,746 alleles (0.0013%); highest among the groups gnomAD compares: African/African-American, 0.0027%; no homozygotes.

Submissions (9):

PreventionGenetics, part of Exact Sciences
Classification: Pathogenic for UNC13D-related condition. Last evaluated: 2026-07-18. Review status: criteria provided, single submitter. Criteria: ACMG Guidelines, 2015. Collection method: clinical testing. Allele origin: germline.
Comment: The UNC13D c.2695C>T variant is predicted to result in premature protein termination (p.Arg899*). This variant has been reported in the homozygous and compound heterozygous states in multiple individuals with familial hemophagocytic lymphohistiocytosis type 3 (FHL3; Elstak et al. 2011. PubMed ID: 21755595; Gadoury-Levesque et al. 2020. PubMed ID: 32542393; Table S3, Elsink et al. 2021. PubMed ID: 34992599; Bucciol et al. 2022. PubMed ID: 36216522; Ouyang et al. 2025. PubMed ID: 40129607). This variant is reported in 0.0044% of alleles in individuals of European (Non-Finnish) descent in gnomAD. Nonsense variants in UNC13D are expected to be pathogenic. This variant is interpreted as pathogenic.

Labcorp Genetics (formerly Invitae), Labcorp
Classification: Pathogenic for Familial hemophagocytic lymphohistiocytosis 3. Last evaluated: 2025-10-14. Review status: criteria provided, single submitter. Criteria: Invitae Variant Classification Sherloc (09022015). Collection method: clinical testing. Allele origin: germline.
Comment: This sequence change creates a premature translational stop signal (p.Arg899*) in the UNC13D gene. It is expected to result in an absent or disrupted protein product. Loss-of-function variants in UNC13D are known to be pathogenic (PMID: 14622600). This variant is present in population databases (rs766657895, gnomAD 0.006%). This premature translational stop signal has been observed in individuals with hemophagocytic lymphohistiocytosis (PMID: 21755595). ClinVar contains an entry for this variant (Variation ID: 325247). For these reasons, this variant has been classified as Pathogenic.

3billion
Classification: Pathogenic for Familial hemophagocytic lymphohistiocytosis 3. Last evaluated: 2025-03-28. Review status: criteria provided, single submitter. Criteria: ACMG Guidelines, 2015. Collection method: clinical testing. Allele origin: germline. Affected: yes.
Comment: The variant is observed at an extremely low frequency in the gnomAD v4.1.0 dataset (total allele frequency: 0.001%). Predicted Consequence/Location: Stop-gained (nonsense): predicted to result in a loss or disruption of normal protein function through nonsense-mediated decay (NMD) or protein truncation. Multiple pathogenic variants are reported downstream of the variant.The variant was homozygous. The variant has been reported at least twice as pathogenic with clinical assertions and evidence for the classification (ClinVar ID: VCV000325247 / PMID: 21248318). Therefore, this variant is classified as Pathogenic according to the recommendation of ACMG/AMP guideline.

Fulgent Genetics
Classification: Pathogenic for Familial hemophagocytic lymphohistiocytosis 3. Last evaluated: 2024-02-09. Review status: criteria provided, single submitter. Criteria: ACMG Guidelines, 2015. Collection method: clinical testing. Allele origin: germline.

Illumina Laboratory Services, Illumina
Classification: Pathogenic for Familial hemophagocytic lymphohistiocytosis 3. Last evaluated: 2017-04-28. Review status: criteria provided, single submitter. Criteria: ICSL Variant Classification Criteria 09 May 2019. Collection method: clinical testing. Allele origin: germline.
Comment: The UNC13D c.2695C>T (p.Arg899Ter) variant is a stop-gained variant predicted to result in premature termination of the protein. The p.Arg899Ter variant has been reported in two studies in which it is found in four individuals with familial hemophagocytic lymphohistiocytosis including three in a homozygous state and one in a compound heterozygous state (Elstak et al. 2012; Nijman et al. 2014). The variant was absent from 100 control individuals and is reported at a frequency of 0.00009 in the European (non-Finnish) population of the Exome Aggregation Consortium in a single allele only in a region of good sequence coverage so the variant is presumed to be rare. Functional studies demonstrated that the p.Arg899Ter variant results in a truncated protein which lacks the C-terminal C2 domain. This truncated protein is misfolded, showing reduced stability and increased turnover compared to wild type. Complementation assays showed a failure of the truncated protein to rescue degranulation (Elstak et al. 2012). Based on the evidence, the p.Arg899Ter variant is classified as pathogenic for familial hemophagocytic lymphohistiocytosis. This variant was observed by ICSL as part of a predisposition screen in an ostensibly healthy population.

Genome Diagnostics Laboratory, The Hospital for Sick Children
Classification: Pathogenic for Autoinflammatory syndrome. Last evaluated: 2017-01-06. Review status: criteria provided, single submitter. Criteria: ACMG Guidelines, 2015. Collection method: clinical testing. Allele origin: germline. Affected: yes.

Clinical Genetics DNA and cytogenetics Diagnostics Lab, Erasmus MC, Erasmus Medical Center
Classification: Pathogenic. Review status: no assertion criteria provided. Collection method: clinical testing. Allele origin: germline. Affected: yes. Study: VKGL Data-share Consensus. Not counted in ClinVar's aggregate classification.

Genome Diagnostics Laboratory, University Medical Center Utrecht
Classification: Pathogenic. Review status: no assertion criteria provided. Collection method: clinical testing. Allele origin: germline. Affected: yes. Study: VKGL Data-share Consensus. Not counted in ClinVar's aggregate classification.

Joint Genome Diagnostic Labs from Nijmegen and Maastricht, Radboudumc and MUMC+
Classification: Pathogenic. Review status: no assertion criteria provided. Collection method: clinical testing. Allele origin: germline. Affected: yes. Study: VKGL Data-share Consensus. Not counted in ClinVar's aggregate classification.

Literature cited by the submitters: PubMed 14622600 (cited by Labcorp Genetics (formerly Invitae), Labcorp); PubMed 21755595 (cited by Labcorp Genetics (formerly Invitae), Labcorp and Illumina Laboratory Services, Illumina); PubMed 21248318 (cited by 3billion); PubMed 24139496 (cited by Illumina Laboratory Services, Illumina).

NM_199242.3(UNC13D):c.2695C>T (p.Arg899Ter)

Genes: UNC13D (unc-13 homolog D; minus strand), LOC112533672 (Sharpr-MPRA regulatory region 1193; plus strand). Cytogenetic location: 17q25.1.
Variant type: single nucleotide variant.
Coding change: c.2695C>T on transcript NM_199242.3 (MANE Select); coding-DNA position 2695, C replaced by T.
Protein change: p.Arg899Ter; replaces arginine 899 with a stop codon.
Molecular consequence: nonsense.
Genome position (GRCh38, 1-based): chr17:75,830,592, G>A on the plus strand (C>T on the coding strand, the complement: UNC13D is on the minus strand). VCF-style: chr17-75830592-G-A. GRCh37 (hg19) VCF-style: chr17-73826673-G-A.
Other names: short protein forms R899*.
Identifiers: ClinVar variation 325247 (VCV000325247.23), dbSNP rs766657895, ClinGen allele CA8772432.
Genomic context (GRCh38, chr17:75,830,592, plus strand): 5'-GTGCTCCAGGGCCTGCAGAGGGCGCAGTGCGAGGGAGGGGCCTCACCTGCTGCTGGATTC[G>A]GCTGCAGAAGTACTTCCGGATGAGTTCCCGGCTGGAGGCCGCCTGCAGCTCCAGGTCCCT-3'